The following is an entry in ClinVar:

NM_001364791.2(ANO2):c.266G>A (p.Arg89His)

Gene: ANO2 (anoctamin 2; minus strand). Cytogenetic location: 12p13.31.
Variant type: single nucleotide variant.
Coding change: c.266G>A on transcript NM_001364791.2 (MANE Select); coding-DNA position 266, G replaced by A.
Protein change: p.Arg89His; replaces arginine 89 with histidine.
Molecular consequence: missense variant.
Genome position (GRCh38, 1-based): chr12:5,921,308, C>T on the plus strand (G>A on the coding strand, the complement: ANO2 is on the minus strand). VCF-style: chr12-5921308-C-T. GRCh37 (hg19) VCF-style: chr12-6030474-C-T.
Other names: c.266G>A, p.Arg89His (NM_001278596.3); c.254G>A, p.Arg85His (NM_001278597.3); short protein forms R85H, R89H.
Identifiers: ClinVar variation 2642600 (VCV002642600.24), dbSNP rs182999590, ClinGen allele CA6401177.

ClinVar aggregate classification (germline): Likely benign (1 of 4 stars; one submission).

Allele frequency attached by ClinVar (database versions not stated): ExAC 0.00090; 1000 Genomes Project 0.00180; gnomAD 0.00257; ESP Exome Variant Server 0.00270; TOPMed 0.00274; 1000 Genomes Project 30x 0.00312.
gnomAD v4.1: 1,076 of 1,613,916 alleles (0.067%); highest among the groups gnomAD compares: African/African-American, 0.78%; 7 homozygotes.

Submission:

CeGaT Center for Human Genetics Tuebingen
Classification: Likely benign. Last evaluated: 2023-04-01. Review status: criteria provided, single submitter. Criteria: CeGaT Center For Human Genetics Tuebingen Variant Classification Criteria Version 2. Collection method: clinical testing. Allele origin: germline. Affected: yes. Observed: 1 variant allele.
Comment: ANO2: BP4, BS2